The following is an entry in ClinVar:

NM_173630.4(RTTN):c.2201G>A (p.Gly734Asp)

Gene: RTTN (rotatin; minus strand). Cytogenetic location: 18q22.2.
Variant type: single nucleotide variant.
Coding change: c.2201G>A on transcript NM_173630.4 (MANE Select); coding-DNA position 2201, G replaced by A.
Protein change: p.Gly734Asp; replaces glycine 734 with aspartic acid.
Molecular consequence: missense variant. On other transcripts: 5 prime UTR variant (1).
Genome position (GRCh38, 1-based): chr18:70,149,009, C>T on the plus strand (G>A on the coding strand, the complement: RTTN is on the minus strand). VCF-style: chr18-70149009-C-T. GRCh37 (hg19) VCF-style: chr18-67816245-C-T.
Other names: c.-447G>A (NM_001318520.2); short protein forms G734D.
Identifiers: ClinVar variation 1391776 (VCV001391776.8), dbSNP rs2145782871, ClinGen allele CA402696050.

ClinVar aggregate classification (germline): Uncertain significance (1 of 4 stars; one submission).

Submission:

Labcorp Genetics (formerly Invitae), Labcorp
Classification: Uncertain significance. Last evaluated: 2022-02-05. Review status: criteria provided, single submitter. Criteria: Invitae Variant Classification Sherloc (09022015). Collection method: clinical testing. Allele origin: germline.
Comment: In summary, the available evidence is currently insufficient to determine the role of this variant in disease. Therefore, it has been classified as a Variant of Uncertain Significance. Algorithms developed to predict the effect of missense changes on protein structure and function are either unavailable or do not agree on the potential impact of this missense change (SIFT: "Deleterious"; PolyPhen-2: "Probably Damaging"; Align-GVGD: "Class C0"). This variant has not been reported in the literature in individuals affected with RTTN-related conditions. This variant is not present in population databases (gnomAD no frequency). This sequence change replaces glycine, which is neutral and non-polar, with aspartic acid, which is acidic and polar, at codon 734 of the RTTN protein (p.Gly734Asp).